The following is an entry in ClinVar:

NM_206933.4(USH2A):c.2145dup (p.Lys716fs)

Gene: USH2A (usherin; minus strand). Cytogenetic location: 1q41.
Variant type: Duplication.
Coding change: c.2145dup on transcript NM_206933.4 (MANE Select); coding-DNA position 2145, one base duplicated (C; older notation c.2145dupC).
Protein change: p.Lys716fs; shifts the reading frame from lysine 716.
Molecular consequence: frameshift variant.
Genome position (GRCh38, 1-based): chr1:216,250,925, G duplicated on the plus strand (C on the coding strand, the reverse complement: USH2A is on the minus strand). VCF-style (leftmost placement, unchanged base first): chr1-216250924-T-TG. GRCh37 (hg19) VCF-style: chr1-216424266-T-TG.
Other names: c.2145dup, p.Lys716fs (NM_007123.6); short protein forms K716fs.
Identifiers: ClinVar variation 2756556 (VCV002756556.3), dbSNP rs2528171534, ClinGen allele CA2697554934.
Genomic context (GRCh38, chr1:216,250,924, plus strand): 5'-TAATAGAGATGTGACTGTAAACTTTTGCGTTACACGTACCAATAACGTTTGCTTTGCACT[T>TG]GCACTGGCCTGAATTTTGGTGACAGGTAATATCTCCATCCACTGTCCCAGAGGTATTGCA-3'

ClinVar aggregate classification (germline): Pathogenic (1 of 4 stars; one submission).

Submission:

Labcorp Genetics (formerly Invitae), Labcorp
Classification: Pathogenic. Last evaluated: 2023-08-30. Review status: criteria provided, single submitter. Criteria: Invitae Variant Classification Sherloc (09022015). Collection method: clinical testing. Allele origin: germline.
Comment: This sequence change creates a premature translational stop signal (p.Lys716Glnfs*10) in the USH2A gene. It is expected to result in an absent or disrupted protein product. Loss-of-function variants in USH2A are known to be pathogenic (PMID: 10729113, 10909849, 20507924, 25649381). This variant is not present in population databases (gnomAD no frequency). This variant has not been reported in the literature in individuals affected with USH2A-related conditions. For these reasons, this variant has been classified as Pathogenic.

Literature cited by the submitters: PubMed 10729113; PubMed 10909849; PubMed 20507924; PubMed 25649381.